The following is an entry in ClinVar:

ClinVar aggregate classification (germline): Uncertain significance (1 of 4 stars; one submission).

Conditions:
Muscle AMP deaminase deficiency (MMDD). Also called: AMPD1 DEFICIENCY; ADENOSINE MONOPHOSPHATE DEAMINASE-1 DEFICIENCY, MYOPATHY DUE TO; Myoadenylate deaminase deficiency, myopathy due to; Adenosine monophosphate deaminase 1 deficiency; AMP deaminase 1 deficiency; Adenosine Monophosphate Deaminase 1. Identifiers: Orphanet 45, MedGen C3714933, MONDO:0014220, OMIM 615511.

Allele frequency attached by ClinVar (database versions not stated): TOPMed below 0.00001; gnomAD 0.00001.
gnomAD v4.1: 7 of 1,610,990 alleles (0.00043%); highest among the groups gnomAD compares: Non-Finnish European, 0.00059%; no homozygotes.

Submission:

Labcorp Genetics (formerly Invitae), Labcorp
Classification: Uncertain significance for Muscle AMP deaminase deficiency. Last evaluated: 2026-02-01. Review status: criteria provided, single submitter. Criteria: Invitae Variant Classification Sherloc (09022015). Collection method: clinical testing. Allele origin: germline.
Comment: This sequence change replaces leucine, which is neutral and non-polar, with arginine, which is basic and polar, at codon 472 of the AMPD1 protein (p.Leu472Arg). This variant is present in population databases (no rsID available, gnomAD 0.007%). This variant has not been reported in the literature in individuals affected with AMPD1-related conditions. ClinVar contains an entry for this variant (Variation ID: 1500138). Invitae Evidence Modeling of protein sequence and biophysical properties (such as structural, functional, and spatial information, amino acid conservation, physicochemical variation, residue mobility, and thermodynamic stability) indicates that this missense variant is expected to disrupt AMPD1 protein function with a positive predictive value of 80%. In summary, the available evidence is currently insufficient to determine the role of this variant in disease. Therefore, it has been classified as a Variant of Uncertain Significance.

NM_000036.3(AMPD1):c.1316T>G (p.Leu439Arg)

Gene: AMPD1 (adenosine monophosphate deaminase 1; minus strand). Cytogenetic location: 1p13.2.
Variant type: single nucleotide variant.
Coding change: c.1316T>G on transcript NM_000036.3 (MANE Select); coding-DNA position 1316, T replaced by G.
Protein change: p.Leu439Arg; replaces leucine 439 with arginine.
Molecular consequence: missense variant.
Genome position (GRCh38, 1-based): chr1:114,677,423, A>C on the plus strand (T>G on the coding strand, the complement: AMPD1 is on the minus strand). VCF-style: chr1-114677423-A-C. GRCh37 (hg19) VCF-style: chr1-115220044-A-C.
Other names: c.1304T>G, p.Leu435Arg (NM_001172626.2); short protein forms L439R, L435R.
Identifiers: ClinVar variation 1500138 (VCV001500138.8), dbSNP rs1276731554, ClinGen allele CA341748518.